The following is an entry in ClinVar:

NM_020708.5(SLC12A5):c.2854C>T (p.Arg952Cys)

Gene: SLC12A5 (solute carrier family 12 member 5; plus strand). Cytogenetic location: 20q13.12.
Variant type: single nucleotide variant.
Coding change: c.2854C>T on transcript NM_020708.5 (MANE Select); coding-DNA position 2854, C replaced by T.
Protein change: p.Arg952Cys; replaces arginine 952 with cysteine.
Molecular consequence: missense variant.
Genome position (GRCh38, 1-based): chr20:46,056,216, C>T. VCF-style: chr20-46056216-C-T. GRCh37 (hg19) VCF-style: chr20-44684855-C-T.
Other names: c.2923C>T, p.Arg975Cys (NM_001134771.2); short protein forms R952C, R975C.
Identifiers: ClinVar variation 652690 (VCV000652690.6), dbSNP rs747552467, ClinGen allele CA9887722.

ClinVar aggregate classification (germline): Uncertain significance (1 of 4 stars; one submission).

Conditions:
Developmental and epileptic encephalopathy, 34 (DEE34). Also called: Early infantile epileptic encephalopathy 34; SLC12A5-Related Epilepsy of Infancy with Migrating Focal Seizures. Identifiers: Orphanet 293181, MedGen C4225257, MONDO:0014718, OMIM 616645.

Allele frequency attached by ClinVar (database versions not stated): gnomAD exomes 0.00001; TOPMed 0.00001; gnomAD 0.00003; ExAC 0.00001.
gnomAD v4.1: 22 of 1,614,080 alleles (0.0014%); highest among the groups gnomAD compares: East Asian, 0.018%; no homozygotes.

Submission:

Labcorp Genetics (formerly Invitae), Labcorp
Classification: Uncertain significance for Developmental and epileptic encephalopathy, 34. Last evaluated: 2021-08-31. Review status: criteria provided, single submitter. Criteria: Invitae Variant Classification Sherloc (09022015). Collection method: clinical testing. Allele origin: germline.
Comment: This sequence change replaces arginine with cysteine at codon 952 of the SLC12A5 protein (p.Arg952Cys). The arginine residue is weakly conserved and there is a large physicochemical difference between arginine and cysteine. This variant is present in population databases (rs747552467, ExAC 0.01%). This variant has not been reported in the literature in individuals affected with SLC12A5-related conditions. Algorithms developed to predict the effect of missense changes on protein structure and function are either unavailable or do not agree on the potential impact of this missense change (SIFT: "Tolerated"; PolyPhen-2: "Possibly Damaging"; Align-GVGD: "Class C0"). In summary, the available evidence is currently insufficient to determine the role of this variant in disease. Therefore, it has been classified as a Variant of Uncertain Significance.